The following is an entry in ClinVar:

ClinVar aggregate classification (germline): Uncertain significance. Review status: criteria provided, multiple submitters, no conflicts (2 of 4 stars). 2 submissions from 2 submitters: Uncertain significance (2). Last evaluated 2025-01-18.

Conditions:
Hereditary nonpolyposis colorectal neoplasms. Identifiers: MedGen C0009405, MeSH D003123.
Hereditary cancer-predisposing syndrome. Also called: Neoplastic Syndromes, Hereditary; Tumor predisposition; Hereditary neoplastic syndrome; Hereditary Cancer Syndrome. Identifiers: Orphanet 140162, MedGen C0027672, MeSH D009386, MONDO:0015356.

Allele frequency attached by ClinVar (database versions not stated): gnomAD 0.00001.

Submissions (2):

Ambry Genetics
Classification: Uncertain significance for Hereditary cancer-predisposing syndrome. Last evaluated: 2025-01-18. Review status: criteria provided, single submitter. Criteria: Ambry Variant Classification Scheme 2023. Collection method: clinical testing. Allele origin: germline.
Comment: The p.D284V variant (also known as c.851A>T), located in coding exon 4 of the MSH6 gene, results from an A to T substitution at nucleotide position 851. The aspartic acid at codon 284 is replaced by valine, an amino acid with highly dissimilar properties. This amino acid position is not well conserved in available vertebrate species. In addition, the in silico prediction for this alteration is inconclusive. Based on the available evidence, the clinical significance of this variant remains unclear.

Labcorp Genetics (formerly Invitae), Labcorp
Classification: Uncertain significance for Hereditary nonpolyposis colorectal neoplasms. Last evaluated: 2021-09-15. Review status: criteria provided, single submitter. Criteria: Invitae Variant Classification Sherloc (09022015). Collection method: clinical testing. Allele origin: germline.
Comment: This variant is not present in population databases (ExAC no frequency). This sequence change replaces aspartic acid with valine at codon 284 of the MSH6 protein (p.Asp284Val). The aspartic acid residue is weakly conserved and there is a large physicochemical difference between aspartic acid and valine. This variant has not been reported in the literature in individuals affected with MSH6-related conditions. Advanced modeling of protein sequence and biophysical properties (such as structural, functional, and spatial information, amino acid conservation, physicochemical variation, residue mobility, and thermodynamic stability) performed at Invitae indicates that this missense variant is not expected to disrupt MSH6 protein function. Algorithms developed to predict the effect of sequence changes on RNA splicing suggest that this variant may create or strengthen a splice site. In summary, the available evidence is currently insufficient to determine the role of this variant in disease. Therefore, it has been classified as a Variant of Uncertain Significance.

NM_000179.3(MSH6):c.851A>T (p.Asp284Val)

Gene: MSH6 (mutS homolog 6; plus strand). Cytogenetic location: 2p16.3.
Variant type: single nucleotide variant.
Coding change: c.851A>T on transcript NM_000179.3 (MANE Select); coding-DNA position 851, A replaced by T.
Protein change: p.Asp284Val; replaces aspartic acid 284 with valine.
Molecular consequence: missense variant. On other transcripts: 5 prime UTR variant (2).
Genome position (GRCh38, 1-based): chr2:47,798,834, A>T. VCF-style: chr2-47798834-A-T. GRCh37 (hg19) VCF-style: chr2-48025973-A-T.
Other names: c.461A>T, p.Asp154Val (NM_001281492.2); c.-56A>T (NM_001281493.2, NM_001281494.2); short protein forms D154V, D284V.
Identifiers: ClinVar variation 1369272 (VCV001369272.11), dbSNP rs1285950430, ClinGen allele CA346740554.